The following is an entry in ClinVar:

NM_000088.4(COL1A1):c.391C>A (p.Arg131=)

Gene: COL1A1 (collagen type I alpha 1 chain; minus strand). Cytogenetic location: 17q21.33.
Variant type: single nucleotide variant.
Coding change: c.391C>A on transcript NM_000088.4 (MANE Select); coding-DNA position 391, C replaced by A.
Protein change: p.Arg131=; no amino-acid change (arginine 131 retained).
Molecular consequence: synonymous variant.
Genome position (GRCh38, 1-based): chr17:50,199,306, G>T on the plus strand (C>A on the coding strand, the complement: COL1A1 is on the minus strand). VCF-style: chr17-50199306-G-T. GRCh37 (hg19) VCF-style: chr17-48276667-G-T.
Identifiers: ClinVar variation 840863 (VCV000840863.16), dbSNP rs776611767, ClinGen allele CA8645708.

ClinVar aggregate classification (germline): Conflicting classifications of pathogenicity. Review status: criteria provided, conflicting classifications (1 of 4 stars). 4 submissions from 4 submitters: Uncertain significance (1); Likely benign (3). Last evaluated 2025-12-24.

Conditions:
COL1A1-related disorder. Also called: COL1A1-related condition; COL1A1- related disease.
COL1A1-related osteogenesis imperfecta.
Cardiovascular phenotype. Identifiers: MedGen CN230736.
Osteogenesis imperfecta type I (OI1). Also called: OI, TYPE I; OSTEOGENESIS IMPERFECTA TARDA; OSTEOGENESIS IMPERFECTA WITH BLUE SCLERAE; Osteogenesis imperfecta type 1; Lobstein's Disease; Lobstein disease. Identifiers: Orphanet 216796, Orphanet 666, MedGen C0023931, MONDO:0008146, OMIM 166200. Disease mechanism: loss of function.

Allele frequency attached by ClinVar (database versions not stated): ExAC below 0.00001; gnomAD exomes 0.00002; gnomAD 0.00007 and 0.00010; TOPMed 0.00008.
gnomAD v4.1: 25 of 1,544,270 alleles (0.0016%); highest among the groups gnomAD compares: African/African-American, 0.022%; no homozygotes.

Submissions (4):

Labcorp Genetics (formerly Invitae), Labcorp
Classification: Likely benign for Osteogenesis imperfecta type I. Last evaluated: 2025-12-24. Review status: criteria provided, single submitter. Criteria: Invitae Variant Classification Sherloc (09022015). Collection method: clinical testing. Allele origin: germline.

PreventionGenetics, part of Exact Sciences
Classification: Likely benign for COL1A1-related condition. Last evaluated: 2025-01-29. Review status: criteria provided, single submitter. Criteria: ACMG Guidelines, 2015. Collection method: clinical testing. Allele origin: germline.
Comment: This variant is classified as likely benign based on ACMG/AMP sequence variant interpretation guidelines (Richards et al. 2015 PMID: 25741868, with internal and published modifications).

Breda Genetics srl
Classification: Uncertain significance for COL1A1-related osteogenesis imperfecta. Last evaluated: 2020-12-19. Review status: criteria provided, single submitter. Criteria: ACMG Guidelines, 2015. Collection method: clinical testing. Allele origin: germline. Inheritance: Autosomal dominant inheritance. Affected: yes. Observed: 1 variant allele, 1 heterozygote.
Comment: The variant c.391C>A (p.Arg131Arg) in the COL1A1 gene is a synonymous variant, which does not alter the amino acid sequence. The variant is reported as uncertain for osteogenesis imperfecta type 1 in ClinVar (Variation ID: 840863). The variant is reported with an estimated allele frequency of 0.00002049 in gnomAD exomes (2 out of the 3 heterozygous are from the Latino/Admixed American population), with no homozygous individuals reported. In silico analysis predicts a potential alteration of splicing (HSF System). So far, no synonymous variant has been reported as pathogenic in ClinVar for the COL1A1 gene. At the same nucleotide position, another nucleotide change has been reported to cause a nonsense mutation, which is classified as pathogenic in ClinVar (c.391C>T, p.Arg131Ter) (Variation ID: 961895). We classify this variant as uncertain; however we cannot exclude that it is a rare benign variant.

Ambry Genetics
Classification: Likely benign for Cardiovascular phenotype. Last evaluated: 2019-10-28. Review status: criteria provided, single submitter. Criteria: Ambry Variant Classification Scheme 2023. Collection method: clinical testing. Allele origin: germline.